The following is an entry in ClinVar:

ClinVar aggregate classification (germline): Uncertain significance. Review status: criteria provided, multiple submitters, no conflicts (2 of 4 stars). 2 submissions from 2 submitters: Uncertain significance (2). Last evaluated 2024-07-16.

Conditions:
Hypertrophic cardiomyopathy. Also called: HYPERTROPHIC MYOCARDIOPATHY. Identifiers: Orphanet 217569, MedGen C0007194, MeSH D002312, MONDO:0005045, HP:0001639.

Submissions (2):

Labcorp Genetics (formerly Invitae), Labcorp
Classification: Uncertain significance for Hypertrophic cardiomyopathy. Last evaluated: 2024-07-16. Review status: criteria provided, single submitter. Criteria: Invitae Variant Classification Sherloc (09022015). Collection method: clinical testing. Allele origin: germline.
Comment: This sequence change replaces glutamic acid, which is acidic and polar, with glutamine, which is neutral and polar, at codon 145 of the TPM1 protein (p.Glu145Gln). This variant is not present in population databases (gnomAD no frequency). This variant has not been reported in the literature in individuals affected with TPM1-related conditions. ClinVar contains an entry for this variant (Variation ID: 1499120). An algorithm developed to predict the effect of missense changes on protein structure and function (PolyPhen-2) suggests that this variant is likely to be disruptive. In summary, the available evidence is currently insufficient to determine the role of this variant in disease. Therefore, it has been classified as a Variant of Uncertain Significance.

GeneDx
Classification: Uncertain significance. Last evaluated: 2023-11-30. Review status: criteria provided, single submitter. Criteria: GeneDx Variant Classification Process June 2021. Collection method: clinical testing. Allele origin: germline. Affected: yes.
Comment: Has not been previously published as pathogenic or benign to our knowledge; Not observed at significant frequency in large population cohorts (gnomAD); In silico analysis supports that this missense variant has a deleterious effect on protein structure/function

NM_001018005.2(TPM1):c.433G>C (p.Glu145Gln)

Gene: TPM1 (tropomyosin 1; plus strand). Cytogenetic location: 15q22.2.
Variant type: single nucleotide variant.
Coding change: c.433G>C on transcript NM_001018005.2 (MANE Select); coding-DNA position 433, G replaced by C.
Protein change: p.Glu145Gln; replaces glutamic acid 145 with glutamine.
Molecular consequence: missense variant.
Genome position (GRCh38, 1-based): chr15:63,059,621, G>C. VCF-style: chr15-63059621-G-C. GRCh37 (hg19) VCF-style: chr15-63351820-G-C.
Other names: c.433G>C (NM_001018005.1); c.433G>C, p.Glu145Gln (NM_000366.6, NM_001018004.2, NM_001018006.2 and 6 more transcripts); c.325G>C, p.Glu109Gln (NM_001018008.2, NM_001301289.2, NM_001330344.2 and 5 more transcripts); c.559G>C, p.Glu187Gln (NM_001365778.1); short protein forms E145Q, E109Q, E187Q.
Identifiers: ClinVar variation 1499120 (VCV001499120.9), dbSNP rs2140937964, ClinGen allele CA392722207.